The following is an entry in ClinVar:

NM_018026.4(PACS1):c.897+5C>T

Gene: PACS1 (phosphofurin acidic cluster sorting protein 1; plus strand). Cytogenetic location: 11q13.2.
Variant type: single nucleotide variant.
Coding change: c.897+5C>T on transcript NM_018026.4 (MANE Select); 5 bases into the intron after coding-DNA position 897, C replaced by T.
Molecular consequence: intron variant.
Genome position (GRCh38, 1-based): chr11:66,216,616, C>T. VCF-style: chr11-66216616-C-T. GRCh37 (hg19) VCF-style: chr11-65984087-C-T.
Identifiers: ClinVar variation 1765284 (VCV001765284.2), dbSNP rs2495551034, ClinGen allele CA2580084521.
Genomic context (GRCh38, chr11:66,216,616, plus strand): 5'-AGGAAGAGAGTTTCTCATCAGAACAGGAAGGCAGTGATGATCCATTGCATGGGCAGGTAA[C>T]TTTCTGTGGTCCCTCACATGGCGTGTCCAAGAAGCTCCTGGGGTTTCCCACCCTCATTCT-3'

ClinVar aggregate classification (germline): Uncertain significance (1 of 4 stars; one submission).

Conditions:
Inborn genetic diseases. Identifiers: MedGen C0950123, MeSH D030342.

Submission:

Ambry Genetics
Classification: Uncertain significance for Inborn genetic diseases. Last evaluated: 2018-12-22. Review status: criteria provided, single submitter. Criteria: Ambry Variant Classification Scheme 2023. Collection method: clinical testing. Allele origin: germline.
Comment: The c.897+5C>T intronic variant results from a C to T substitution 5 nucleotides after coding exon 6 in the PACS1 gene. This nucleotide position is well conserved in available vertebrate species. Using the BDGP and ESEfinder splice site prediction tools, this alteration is not predicted to have any significant effect on this splice donor site; however, direct evidence is unavailable. Since supporting evidence is limited at this time, the clinical significance of this alteration remains unclear.